The following is an entry in ClinVar:

NM_198253.3(TERT):c.2565G>A (p.Ala855=)

Gene: TERT (telomerase reverse transcriptase; minus strand). Cytogenetic location: 5p15.33.
Variant type: single nucleotide variant.
Coding change: c.2565G>A on transcript NM_198253.3 (MANE Select); coding-DNA position 2565, G replaced by A.
Protein change: p.Ala855=; no amino-acid change (alanine 855 retained).
Molecular consequence: synonymous variant. On other transcripts: non-coding transcript variant (2).
Genome position (GRCh38, 1-based): chr5:1,268,537, C>T on the plus strand (G>A on the coding strand, the complement: TERT is on the minus strand). VCF-style: chr5-1268537-C-T. GRCh37 (hg19) VCF-style: chr5-1268652-C-T.
Other names: c.2565G>A, p.Ala855= (NM_001193376.3).
Identifiers: ClinVar variation 539250 (VCV000539250.37), dbSNP rs769077049, ClinGen allele CA3184465.

ClinVar aggregate classification (germline): Likely benign. Review status: criteria provided, multiple submitters, no conflicts (2 of 4 stars). 5 submissions from 5 submitters: Likely benign (4). 1 of the submissions does not count toward it. Last evaluated 2026-01-27.

Conditions:
TERT-related disorder. Also called: TERT-related disorders; TERT-related condition.
Dyskeratosis congenita. Identifiers: Orphanet 1775, MedGen C0265965, MONDO:0015780.
Idiopathic Pulmonary Fibrosis. Also called: Idiopathic fibrosing alveolitis, chronic form; idiopathic fibrosing alveolitis. Identifiers: Orphanet 2032, MedGen C1800706, MeSH D054990, MONDO:0800504.
Dyskeratosis congenita, autosomal dominant 2. Identifiers: MedGen C3151443, MONDO:0013521, OMIM 613989.

Allele frequency attached by ClinVar (database versions not stated): gnomAD below 0.00001 and 0.00001; gnomAD exomes 0.00004 and 0.00006; TOPMed 0.00003; ExAC 0.00005.
gnomAD v4.1: 88 of 1,613,414 alleles (0.0055%); highest among the groups gnomAD compares: South Asian, 0.035%; no homozygotes.

Submissions (5):

Labcorp Genetics (formerly Invitae), Labcorp
Classification: Likely benign for Dyskeratosis congenita, autosomal dominant 2; Idiopathic Pulmonary Fibrosis. Last evaluated: 2026-01-27. Review status: criteria provided, single submitter. Criteria: Invitae Variant Classification Sherloc (09022015). Collection method: clinical testing. Allele origin: germline.

Blueprint Genetics
Classification: Likely benign. Last evaluated: 2024-08-28. Review status: criteria provided, single submitter. Criteria: ACMG Guidelines, 2015. Collection method: clinical testing. Allele origin: germline.

CeGaT Center for Human Genetics Tuebingen
Classification: Likely benign. Last evaluated: 2023-05-01. Review status: criteria provided, single submitter. Criteria: CeGaT Center For Human Genetics Tuebingen Variant Classification Criteria Version 2. Collection method: clinical testing. Allele origin: germline. Affected: yes. Observed: 1 variant allele.
Comment: TERT: BP4, BP7

Ambry Genetics
Classification: Likely benign for Dyskeratosis congenita. Last evaluated: 2022-02-15. Review status: criteria provided, single submitter. Criteria: Ambry Variant Classification Scheme 2023. Collection method: clinical testing. Allele origin: germline.

PreventionGenetics, part of Exact Sciences
Classification: Likely benign for TERT-related condition. Last evaluated: 2024-04-12. Review status: no assertion criteria provided. Collection method: clinical testing. Allele origin: germline. Not counted in ClinVar's aggregate classification.
Comment: This variant is classified as likely benign based on ACMG/AMP sequence variant interpretation guidelines (Richards et al. 2015 PMID: 25741868, with internal and published modifications).